The following is an entry in ClinVar:

ClinVar aggregate classification (germline): Likely pathogenic. Review status: criteria provided, multiple submitters, no conflicts (2 of 4 stars). 2 submissions from 2 submitters: Likely pathogenic (2). Last evaluated 2023-10-04.

Conditions:
Wolcott-Rallison dysplasia. Also called: MED-IDDM SYNDROME; Wolcott-Rallison syndrome. Identifiers: Orphanet 1667, MedGen C0432217, MONDO:0009192, OMIM 226980.

Submissions (2):

Labcorp Genetics (formerly Invitae), Labcorp
Classification: Likely pathogenic. Last evaluated: 2023-10-04. Review status: criteria provided, single submitter. Criteria: Invitae Variant Classification Sherloc (09022015). Collection method: clinical testing. Allele origin: germline.
Comment: This sequence change affects a donor splice site in intron 5 of the EIF2AK3 gene. It is expected to disrupt RNA splicing. Variants that disrupt the donor or acceptor splice site typically lead to a loss of protein function (PMID: 16199547), and loss-of-function variants in EIF2AK3 are known to be pathogenic (PMID: 11997520). This variant is not present in population databases (gnomAD no frequency). This variant has not been reported in the literature in individuals affected with EIF2AK3-related conditions. Algorithms developed to predict the effect of sequence changes on RNA splicing suggest that this variant may disrupt the consensus splice site. In summary, the currently available evidence indicates that the variant is pathogenic, but additional data are needed to prove that conclusively. Therefore, this variant has been classified as Likely Pathogenic.

Juno Genomics, Hangzhou Juno Genomics, Inc
Classification: Likely pathogenic for Wolcott-Rallison dysplasia. Review status: criteria provided, single submitter. Criteria: ACMG Guidelines, 2015. Collection method: clinical testing. Allele origin: germline.
Comment: Absent from controls (or at extremely low frequency if recessive) in Genome Aggregation Database.;Null variant in a gene where loss of function (LOF) is a known mechanism of disease.

Literature cited by the submitters: PubMed 16199547 (cited by Labcorp Genetics (formerly Invitae), Labcorp); PubMed 11997520 (cited by Labcorp Genetics (formerly Invitae), Labcorp).

NM_004836.7(EIF2AK3):c.1002+1G>A

Gene: EIF2AK3 (eukaryotic translation initiation factor 2 alpha kinase 3; minus strand). Cytogenetic location: 2p11.2.
Variant type: single nucleotide variant.
Coding change: c.1002+1G>A on transcript NM_004836.7 (MANE Select); the canonical splice donor site of the intron after coding-DNA position 1002, G replaced by A.
Molecular consequence: splice donor variant.
Genome position (GRCh38, 1-based): chr2:88,590,817, C>T on the plus strand (G>A on the coding strand, the complement: EIF2AK3 is on the minus strand). VCF-style: chr2-88590817-C-T. GRCh37 (hg19) VCF-style: chr2-88890335-C-T.
Other names: c.549+1G>A (NM_001313915.2).
Identifiers: ClinVar variation 2955104 (VCV002955104.5), dbSNP rs1192258846, ClinGen allele CA347595720.